The following is an entry in ClinVar:

NM_006363.6(SEC23B):c.279+1G>A

Gene: SEC23B (SEC23 homolog B, COPII component; plus strand). Cytogenetic location: 20p11.23.
Variant type: single nucleotide variant.
Coding change: c.279+1G>A on transcript NM_006363.6 (MANE Select); the canonical splice donor site of the intron after coding-DNA position 279, G replaced by A.
Molecular consequence: splice donor variant.
Genome position (GRCh38, 1-based): chr20:18,512,283, G>A. VCF-style: chr20-18512283-G-A. GRCh37 (hg19) VCF-style: chr20-18492927-G-A.
Other names: c.279+1G>A (NM_032986.5, NM_001172745.3, NM_032985.6 and 1 more transcripts).
Identifiers: ClinVar variation 2935878 (VCV002935878.3), dbSNP rs1455991766, ClinGen allele CA408356206.

ClinVar aggregate classification (germline): Likely pathogenic (1 of 4 stars; one submission).

Conditions:
Congenital dyserythropoietic anemia, type II (CDAN2). Also called: DYSERYTHROPOIETIC ANEMIA, HEMPAS TYPE. Identifiers: Orphanet 98873, MedGen C1306589, MONDO:0009134, OMIM 224100.
Cowden syndrome 7 (CWS7). Identifiers: Orphanet 201, MedGen C4225179, MONDO:0014802, OMIM 616858.

gnomAD v4.1: 3 of 1,552,804 alleles (0.00019%); highest among the groups gnomAD compares: Middle Eastern, 0.036%; no homozygotes.

Submission:

Labcorp Genetics (formerly Invitae), Labcorp
Classification: Likely pathogenic for Congenital dyserythropoietic anemia, type II; Cowden syndrome 7. Last evaluated: 2023-09-03. Review status: criteria provided, single submitter. Criteria: Invitae Variant Classification Sherloc (09022015). Collection method: clinical testing. Allele origin: germline.
Comment: In summary, the currently available evidence indicates that the variant is pathogenic, but additional data are needed to prove that conclusively. Therefore, this variant has been classified as Likely Pathogenic. Algorithms developed to predict the effect of sequence changes on RNA splicing suggest that this variant may disrupt the consensus splice site. This variant has not been reported in the literature in individuals affected with SEC23B-related conditions. This variant is present in population databases (no rsID available, gnomAD no frequency). This sequence change affects a donor splice site in intron 3 of the SEC23B gene. It is expected to disrupt RNA splicing. Variants that disrupt the donor or acceptor splice site typically lead to a loss of protein function (PMID: 16199547), and loss-of-function variants in SEC23B are known to be pathogenic (PMID: 19561605, 25044164).

Literature cited by the submitters: PubMed 16199547; PubMed 19561605; PubMed 25044164.